The following is an entry in ClinVar:

ClinVar aggregate classification (germline): Uncertain significance (1 of 4 stars; one submission).

Submission:

Labcorp Genetics (formerly Invitae), Labcorp
Classification: Uncertain significance. Last evaluated: 2022-06-27. Review status: criteria provided, single submitter. Criteria: Invitae Variant Classification Sherloc (09022015). Collection method: clinical testing. Allele origin: germline.
Comment: Algorithms developed to predict the effect of missense changes on protein structure and function are either unavailable or do not agree on the potential impact of this missense change (SIFT: "Not Available"; PolyPhen-2: "Benign"; Align-GVGD: "Not Available"). In summary, the available evidence is currently insufficient to determine the role of this variant in disease. Therefore, it has been classified as a Variant of Uncertain Significance. This variant has not been reported in the literature in individuals affected with IDH3B-related conditions. This variant is not present in population databases (gnomAD no frequency). This sequence change replaces leucine, which is neutral and non-polar, with proline, which is neutral and non-polar, at codon 336 of the IDH3B protein (p.Leu336Pro).

NM_006899.5(IDH3B):c.1007T>C (p.Leu336Pro)

Gene: IDH3B (isocitrate dehydrogenase (NAD(+)) 3 non-catalytic subunit beta; minus strand). Cytogenetic location: 20p13.
Variant type: single nucleotide variant.
Coding change: c.1007T>C on transcript NM_006899.5 (MANE Select); coding-DNA position 1007, T replaced by C.
Protein change: p.Leu336Pro; replaces leucine 336 with proline.
Molecular consequence: missense variant. On other transcripts: non-coding transcript variant (1).
Genome position (GRCh38, 1-based): chr20:2,659,702, A>G on the plus strand (T>C on the coding strand, the complement: IDH3B is on the minus strand). VCF-style: chr20-2659702-A-G. GRCh37 (hg19) VCF-style: chr20-2640348-A-G.
Other names: c.1007T>C, p.Leu336Pro (NM_001258384.3, NM_001330763.2, NM_174855.4); short protein forms L336P.
Identifiers: ClinVar variation 2007654 (VCV002007654.4), dbSNP rs2514756095, ClinGen allele CA408034041.